The following is an entry in ClinVar:

ClinVar aggregate classification (germline): Likely benign (1 of 4 stars; one submission).

gnomAD v4.1: 45 of 1,550,514 alleles (0.0029%); highest among the groups gnomAD compares: East Asian, 0.0098%; no homozygotes.

Submission:

CeGaT Center for Human Genetics Tuebingen
Classification: Likely benign. Last evaluated: 2025-09-01. Review status: criteria provided, single submitter. Criteria: CeGaT Center For Human Genetics Tuebingen Variant Classification Criteria Version 2. Collection method: clinical testing. Allele origin: germline. Affected: yes. Observed: 1 variant allele.
Comment: OTOG: BP4, BP7

NM_001292063.2(OTOG):c.6864C>T (p.Cys2288=)

Gene: OTOG (otogelin; plus strand). Cytogenetic location: 11p15.1.
Variant type: single nucleotide variant.
Coding change: c.6864C>T on transcript NM_001292063.2 (MANE Select); coding-DNA position 6864, C replaced by T.
Protein change: p.Cys2288=; no amino-acid change (cysteine 2288 retained).
Molecular consequence: synonymous variant.
Genome position (GRCh38, 1-based): chr11:17,631,853, C>T. VCF-style: chr11-17631853-C-T. GRCh37 (hg19) VCF-style: chr11-17653400-C-T.
Other names: c.6900C>T, p.Cys2300= (NM_001277269.2).
Identifiers: ClinVar variation 4280888 (VCV004280888.7).